The following is an entry in ClinVar:

ClinVar aggregate classification (germline): Pathogenic (1 of 4 stars; one submission).

Submission:

Ambry Genetics
Classification: Pathogenic. Last evaluated: 2025-03-28. Review status: criteria provided, single submitter. Criteria: Ambry Variant Classification Scheme 2023. Collection method: clinical testing. Allele origin: germline.
Comment: The c.1101_1111delTGATGTGAGCAinsAATTCAAGG (p.D368Ifs*10) alteration, located in exon 3 (coding exon 2) of the NEXMIF gene, consists of a deletion of 11 and insertion of 9 nucleotides causing a translational frameshift at position 1101 with a predicted alternate stop codon after 10 amino acids. This alteration is expected to result in loss of function by premature protein truncation or nonsense-mediated mRNA decay. This variant was not reported in population-based cohorts in the Genome Aggregation Database (gnomAD). Based on the available evidence, this alteration is classified as pathogenic.

NM_001008537.3(NEXMIF):c.1101_1111delinsAATTCAAGG (p.Asp368fs)

Gene: NEXMIF (neurite extension and migration factor; minus strand). Cytogenetic location: Xq13.3.
Variant type: Indel.
Coding change: c.1101_1111delinsAATTCAAGG on transcript NM_001008537.3 (MANE Select); coding-DNA positions 1101 to 1111, TGATGTGAGCA replaced by AATTCAAGG.
Protein change: p.Asp368fs; shifts the reading frame from aspartic acid 368.
Molecular consequence: frameshift variant.
Genome position (GRCh38, 1-based): chrX:74,743,446-74,743,456, TGCTCACATCA replaced by CCTTGAATT on the plus strand (TGATGTGAGCA replaced by AATTCAAGG on the coding strand, the reverse complement: NEXMIF is on the minus strand). VCF-style: chrX-74743446-TGCTCACATCA-CCTTGAATT. GRCh37 (hg19) VCF-style: chrX-73963281-TGCTCACATCA-CCTTGAATT.
Other names: short protein forms D368fs.
Identifiers: ClinVar variation 3919090 (VCV003919090.1).